The following is an entry in ClinVar:

NM_001220.5(CAMK2B):c.110dup (p.His38fs)

Gene: CAMK2B (calcium/calmodulin dependent protein kinase II beta; minus strand). Cytogenetic location: 7p13.
Variant type: Duplication.
Coding change: c.110dup on transcript NM_001220.5 (MANE Select); coding-DNA position 110, one base duplicated (G; older notation c.110dupG).
Protein change: p.His38fs; shifts the reading frame from histidine 38.
Molecular consequence: frameshift variant.
Genome position (GRCh38, 1-based): chr7:44,284,181, C duplicated on the plus strand (G on the coding strand, the reverse complement: CAMK2B is on the minus strand); the first of 2 consecutive C bases (chr7:44,284,181-44,284,182); duplicating either gives the same sequence. VCF-style (leftmost placement, unchanged base first): chr7-44284180-G-GC. GRCh37 (hg19) VCF-style: chr7-44323779-G-GC.
Other names: c.110dup (NM_001220.4); c.110dup, p.His38fs (NM_001293170.2, NM_172078.3, NM_172079.3 and 5 more transcripts); short protein forms H38fs.
Identifiers: ClinVar variation 2812901 (VCV002812901.4), dbSNP rs2487965754, ClinGen allele CA2739266414.
Genomic context (GRCh38, chr7:44,284,180, plus strand): 5'-CCATGCCCTACCTCTGGCTGACAGCTTCTTGGTGTTGATGATCTTGGCTGCATACTCATG[G>GC]CCGGTGCAGAGCTTGACACAGCGTCGGACCACAGAGAAAGCCCCCCTGGGGAGGAAAATG-3'

ClinVar aggregate classification (germline): Uncertain significance. Review status: criteria provided, multiple submitters, no conflicts (2 of 4 stars). 2 submissions from 2 submitters: Uncertain significance (2). Last evaluated 2023-07-05.

Submissions (2):

GeneDx
Classification: Uncertain significance. Last evaluated: 2023-07-05. Review status: criteria provided, single submitter. Criteria: GeneDx Variant Classification Process June 2021. Collection method: clinical testing. Allele origin: germline. Affected: yes.
Comment: Not observed at significant frequency in large population cohorts (gnomAD); Frameshift variant predicted to result in protein truncation or nonsense mediated decay in a gene or region of a gene for which loss of function is not a well-established mechanism of disease; Has not been previously published as pathogenic or benign to our knowledge

Labcorp Genetics (formerly Invitae), Labcorp
Classification: Uncertain significance. Last evaluated: 2022-11-08. Review status: criteria provided, single submitter. Criteria: Invitae Variant Classification Sherloc (09022015). Collection method: clinical testing. Allele origin: germline.
Comment: In summary, the available evidence is currently insufficient to determine the role of this variant in disease. Therefore, it has been classified as a Variant of Uncertain Significance. This variant has not been reported in the literature in individuals affected with CAMK2B-related conditions. This variant is not present in population databases (gnomAD no frequency). This sequence change creates a premature translational stop signal (p.His38Profs*2) in the CAMK2B gene. It is expected to result in an absent or disrupted protein product. However, the current clinical and genetic evidence is not sufficient to establish whether loss-of-function variants in CAMK2B cause disease.